The following is an entry in ClinVar:

NM_021831.6(AGBL5):c.826C>T (p.Arg276Trp)

Gene: AGBL5 (AGBL carboxypeptidase 5; plus strand). Cytogenetic location: 2p23.3.
Variant type: single nucleotide variant.
Coding change: c.826C>T on transcript NM_021831.6 (MANE Select); coding-DNA position 826, C replaced by T.
Protein change: p.Arg276Trp; replaces arginine 276 with tryptophan.
Molecular consequence: missense variant. On other transcripts: non-coding transcript variant (2).
Genome position (GRCh38, 1-based): chr2:27,055,171, C>T. VCF-style: chr2-27055171-C-T. GRCh37 (hg19) VCF-style: chr2-27278039-C-T.
Other names: c.826C>T, p.Arg276Trp (NM_001035507.3); short protein forms R276W.
Identifiers: ClinVar variation 242933 (VCV000242933.31), dbSNP rs879253769, ClinGen allele CA10584034.

ClinVar aggregate classification (germline): Conflicting classifications of pathogenicity. Review status: criteria provided, conflicting classifications (1 of 4 stars). 6 submissions from 6 submitters: Likely pathogenic (3); Uncertain significance (2). 1 of the submissions does not count toward it. Last evaluated 2024-09-16.

Conditions:
AGBL5-related disorder. Also called: AGBL5-related condition.
Retinitis pigmentosa 75 (RP75). Identifiers: Orphanet 791, MedGen C4310759, MONDO:0014871, OMIM 617023.

Allele frequency attached by ClinVar (database versions not stated): gnomAD exomes below 0.00001; gnomAD 0.00001; TOPMed 0.00001.
gnomAD v4.1: 8 of 1,614,082 alleles (0.0005%); highest among the groups gnomAD compares: Middle Eastern, 0.016%; no homozygotes.

Submissions (6):

GeneDx
Classification: Uncertain significance. Last evaluated: 2024-09-16. Review status: criteria provided, single submitter. Criteria: GeneDx Variant Classification Process June 2021. Collection method: clinical testing. Allele origin: germline. Affected: yes.
Comment: Not observed at significant frequency in large population cohorts (gnomAD); In silico analysis supports that this missense variant has a deleterious effect on protein structure/function; This variant is associated with the following publications: (PMID: 32552793, 37644014, 26355662)

Labcorp Genetics (formerly Invitae), Labcorp
Classification: Likely pathogenic. Last evaluated: 2024-02-17. Review status: criteria provided, single submitter. Criteria: Invitae Variant Classification Sherloc (09022015). Collection method: clinical testing. Allele origin: germline.
Comment: This sequence change replaces arginine, which is basic and polar, with tryptophan, which is neutral and slightly polar, at codon 276 of the AGBL5 protein (p.Arg276Trp). This variant is not present in population databases (gnomAD no frequency). This missense change has been observed in individual(s) with retinitis pigmentosa (PMID: 26355662). It has also been observed to segregate with disease in related individuals. ClinVar contains an entry for this variant (Variation ID: 242933). An algorithm developed to predict the effect of missense changes on protein structure and function (PolyPhen-2) suggests that this variant is likely to be disruptive. In summary, the currently available evidence indicates that the variant is pathogenic, but additional data are needed to prove that conclusively. Therefore, this variant has been classified as Likely Pathogenic.

CeGaT Center for Human Genetics Tuebingen
Classification: Likely pathogenic. Last evaluated: 2024-01-01. Review status: criteria provided, single submitter. Criteria: CeGaT Center For Human Genetics Tuebingen Variant Classification Criteria Version 2. Collection method: clinical testing. Allele origin: germline. Affected: yes. Observed: 1 variant allele.
Comment: AGBL5: PM2, PM3, PP1:Moderate

Blueprint Genetics
Classification: Likely pathogenic for AGBL5-related disorders. Last evaluated: 2020-09-30. Review status: criteria provided, single submitter. Criteria: ACMG Guidelines, 2015. Collection method: clinical testing. Allele origin: germline. Affected: yes. Observed: 2 variant alleles.

Dubai Health Genomic Medicine Center, Dubai Health
Classification: Uncertain significance for Retinitis pigmentosa 75. Last evaluated: 2020-02-11. Review status: criteria provided, single submitter. Criteria: ACMG Guidelines, 2015. Collection method: clinical testing. Allele origin: germline. Affected: yes.

OMIM
Classification: Pathogenic for RETINITIS PIGMENTOSA 75. Last evaluated: 2017-09-06. Review status: no assertion criteria provided. Collection method: literature only. Allele origin: germline. Not counted in ClinVar's aggregate classification.

Literature cited by the submitters: PubMed 26355662 (cited by Labcorp Genetics (formerly Invitae), Labcorp and OMIM).